The following is an entry in ClinVar:

NM_182972.3(IRF2BP2):c.440C>A (p.Thr147Lys)

Genes: IRF2BP2 (interferon regulatory factor 2 binding protein 2; minus strand), LOC129932812 (ATAC-STARR-seq lymphoblastoid silent region 1977; plus strand). Cytogenetic location: 1q42.3.
Variant type: single nucleotide variant.
Coding change: c.440C>A on transcript NM_182972.3 (MANE Select); coding-DNA position 440, C replaced by A.
Protein change: p.Thr147Lys; replaces threonine 147 with lysine.
Molecular consequence: missense variant.
Genome position (GRCh38, 1-based): chr1:234,609,055, G>T on the plus strand (C>A on the coding strand, the complement: IRF2BP2 is on the minus strand). VCF-style: chr1-234609055-G-T. GRCh37 (hg19) VCF-style: chr1-234744801-G-T.
Other names: c.440C>A, p.Thr147Lys (NM_001077397.1); short protein forms T147K.
Identifiers: ClinVar variation 2105201 (VCV002105201.4), dbSNP rs1672264436, ClinGen allele CA345310392.

ClinVar aggregate classification (germline): Uncertain significance (1 of 4 stars; one submission).

Submission:

Labcorp Genetics (formerly Invitae), Labcorp
Classification: Uncertain significance. Last evaluated: 2022-03-01. Review status: criteria provided, single submitter. Criteria: Invitae Variant Classification Sherloc (09022015). Collection method: clinical testing. Allele origin: germline.
Comment: In summary, the available evidence is currently insufficient to determine the role of this variant in disease. Therefore, it has been classified as a Variant of Uncertain Significance. Algorithms developed to predict the effect of missense changes on protein structure and function (SIFT, PolyPhen-2, Align-GVGD) all suggest that this variant is likely to be tolerated. This variant has not been reported in the literature in individuals affected with IRF2BP2-related conditions. This variant is not present in population databases (gnomAD no frequency). This sequence change replaces threonine, which is neutral and polar, with lysine, which is basic and polar, at codon 147 of the IRF2BP2 protein (p.Thr147Lys).